The following is an entry in ClinVar:

NM_005732.4(RAD50):c.3476del (p.Asp1159fs)

Genes: RAD50 (RAD50 double strand break repair protein; plus strand), TH2LCRR (T helper type 2 locus control region associated RNA; minus strand), TH2-LCR (Th2 cytokine locus control region; plus strand). Cytogenetic location: 5q31.1.
Variant type: Deletion.
Coding change: c.3476del on transcript NM_005732.4 (MANE Select); coding-DNA position 3476, one base deleted (A; older notation c.3476delA).
Protein change: p.Asp1159fs; shifts the reading frame from aspartic acid 1159.
Molecular consequence: frameshift variant. On other transcripts: non-coding transcript variant (2).
Genome position (GRCh38, 1-based): chr5:132,638,081, A deleted. VCF-style (leftmost placement, unchanged base first): chr5-132638080-GA-G. GRCh37 (hg19) VCF-style: chr5-131973772-GA-G.
Other names: short protein forms D1159fs.
Identifiers: ClinVar variation 482149 (VCV000482149.13), dbSNP rs1554100940, ClinGen allele CA658657538.
Genomic context (GRCh38, chr5:132,638,080, plus strand): 5'-TGTAAATGACAAAAGGCTACAGAGCATAGGTTCCTCTAAAATATTCTTCTTCCTGTGTCA[GA>G]TATTGAATACATAGAAATACGGTCTGATGCCGATGAAAATGTATCAGCTTCTGATAAAAG-3'

ClinVar aggregate classification (germline): Pathogenic/Likely pathogenic. Review status: criteria provided, multiple submitters, no conflicts (2 of 4 stars). 3 submissions from 3 submitters: Pathogenic (2); Likely pathogenic (1). Last evaluated 2023-08-30.

Conditions:
Hereditary cancer-predisposing syndrome. Also called: Neoplastic Syndromes, Hereditary; Tumor predisposition; Hereditary Cancer Syndrome; Hereditary neoplastic syndrome. Identifiers: Orphanet 140162, MedGen C0027672, MeSH D009386, MONDO:0015356.
Nijmegen breakage syndrome-like disorder (NBSLD). Also called: MICROCEPHALY AND SPONTANEOUS CHROMOSOME INSTABILITY WITHOUT IMMUNODEFICIENCY; NBS-LIKE DISORDER; RAD50 DEFICIENCY. Identifiers: Orphanet 240760, MedGen C2751318, MONDO:0013118, OMIM 613078.

Allele frequency attached by ClinVar (database versions not stated): gnomAD exomes below 0.00001; TOPMed below 0.00001.

Submissions (3):

Labcorp Genetics (formerly Invitae), Labcorp
Classification: Pathogenic for Hereditary cancer-predisposing syndrome. Last evaluated: 2023-08-30. Review status: criteria provided, single submitter. Criteria: Invitae Variant Classification Sherloc (09022015). Collection method: clinical testing. Allele origin: germline.
Comment: For these reasons, this variant has been classified as Pathogenic. RNA analysis performed to evaluate the impact of this premature translational stop signal on mRNA splicing indicates it does not significantly alter splicing (Inviate). ClinVar contains an entry for this variant (Variation ID: 482149). This variant has not been reported in the literature in individuals affected with RAD50-related conditions. This variant is not present in population databases (gnomAD no frequency). This sequence change creates a premature translational stop signal (p.Asp1159Valfs*5) in the RAD50 gene. It is expected to result in an absent or disrupted protein product. Loss-of-function variants in RAD50 are known to be pathogenic (PMID: 19409520).

Ambry Genetics
Classification: Pathogenic for Hereditary cancer-predisposing syndrome. Last evaluated: 2022-08-16. Review status: criteria provided, single submitter. Criteria: Ambry Variant Classification Scheme 2023. Collection method: clinical testing. Allele origin: germline.
Comment: The c.3476delA pathogenic mutation, located in coding exon 23 of the RAD50 gene, results from a deletion of one nucleotide at nucleotide position 3476, causing a translational frameshift with a predicted alternate stop codon (p.D1159Vfs*5). This variant is considered to be rare based on population cohorts in the Genome Aggregation Database (gnomAD). This alteration is expected to result in loss of function by premature protein truncation or nonsense-mediated mRNA decay. As such, this alteration is interpreted as a disease-causing mutation.

Baylor Genetics
Classification: Likely pathogenic for Nijmegen breakage syndrome-like disorder. Last evaluated: 2022-02-14. Review status: criteria provided, single submitter. Criteria: ACMG Guidelines, 2015. Collection method: clinical testing. Allele origin: unknown.

Literature cited by the submitters: PubMed 19409520 (cited by Labcorp Genetics (formerly Invitae), Labcorp).